The following is an entry in ClinVar:

ClinVar aggregate classification (germline): Uncertain significance (1 of 4 stars; one submission).

Submission:

GeneDx
Classification: Uncertain significance. Last evaluated: 2024-01-03. Review status: criteria provided, single submitter. Criteria: GeneDx Variant Classification Process June 2021. Collection method: clinical testing. Allele origin: germline. Affected: yes.
Comment: Not observed at significant frequency in large population cohorts (gnomAD); In silico analysis supports that this missense variant has a deleterious effect on protein structure/function; Has not been previously published as pathogenic or benign to our knowledge

NM_001349253.2(SCN11A):c.4480C>T (p.Leu1494Phe)

Gene: SCN11A (sodium voltage-gated channel alpha subunit 11; minus strand). Cytogenetic location: 3p22.2.
Variant type: single nucleotide variant.
Coding change: c.4480C>T on transcript NM_001349253.2 (MANE Select); coding-DNA position 4480, C replaced by T.
Protein change: p.Leu1494Phe; replaces leucine 1494 with phenylalanine.
Molecular consequence: missense variant.
Genome position (GRCh38, 1-based): chr3:38,847,590, G>A on the plus strand (C>T on the coding strand, the complement: SCN11A is on the minus strand). VCF-style: chr3-38847590-G-A. GRCh37 (hg19) VCF-style: chr3-38889081-G-A.
Other names: c.4480C>T, p.Leu1494Phe (NM_014139.3); short protein forms L1494F.
Identifiers: ClinVar variation 3367542 (VCV003367542.1).